The following is an entry in ClinVar:

ClinVar aggregate classification (germline): Likely pathogenic. Review status: criteria provided, multiple submitters, no conflicts (2 of 4 stars). 2 submissions from 2 submitters: Likely pathogenic (2). Last evaluated 2025-10-15.

Conditions:
Mucopolysaccharidosis, MPS-III-B (MPS3B). Also called: N-ACETYL-ALPHA-D-GLUCOSAMINIDASE DEFICIENCY; NAGLU DEFICIENCY; SANFILIPPO SYNDROME B; MPS III B; MUCOPOLYSACCHARIDOSIS, TYPE IIIB; Mucopolysaccharidosis type IIIB (Sanfilippo B). Identifiers: Orphanet 79270, MedGen C0086648, MONDO:0009656, OMIM 252920.

Submissions (2):

Natera, Inc.
Classification: Likely pathogenic for Mucopolysaccharidosis type IIIB. Last evaluated: 2025-10-15. Review status: criteria provided, single submitter. Criteria: Natera Variant Classification Schema (03/2026). Collection method: clinical testing. Allele origin: germline.
Comment: The c.1021+1G>A variant in NAGLU is a canonical splice donor site variant predicted to affect pre-mRNA splicing, which may result in an abnormal transcript and altered protein product. This variant is expected to result in nonsense mediated decay, truncation, or a dysfunctional protein product. This variant is rare in the general population with a frequency below the threshold expected for the associated phenotype(s). Given the available evidence, this variant is classified as Likely Pathogenic.

Women's Health and Genetics/Laboratory Corporation of America, LabCorp
Classification: Likely pathogenic for Mucopolysaccharidosis, MPS-III-B. Last evaluated: 2025-06-10. Review status: criteria provided, single submitter. Criteria: LabCorp Variant Classification Summary - May 2015. Collection method: clinical testing. Allele origin: germline.
Comment: Variant summary: NAGLU c.1021+1G>A is located in a canonical splice-site in the last intron and is predicted to affect mRNA splicing resulting in a significantly altered protein due to either exon skipping, shortening, or inclusion of intronic material. Variants that disrupt the consensus splice site are a relatively common cause of aberrant splicing and loss of NAGLU function. Several computational tools predict a significant impact on normal splicing: Four predict the variant abolishes a 5' splicing donor site. However, these predictions have yet to be confirmed by functional studies. The variant was absent in 249766 control chromosomes. To our knowledge, no occurrence of c.1021+1G>A in individuals affected with Mucopolysaccharidosis Type IIIB (Sanfilippo Syndrome B) and no experimental evidence demonstrating its impact on protein function have been reported. At least one variant downstream of this position in the last exon (c.1241A>G, p.His414Arg) has been classified as Pathogenic by our lab, suggesting a critical role of last exon inclusion in NAGLU protein function. No submitters have cited clinical-significance assessments for this variant to ClinVar. Based on the evidence outlined above, the variant was classified as likely pathogenic.

NM_000263.4(NAGLU):c.1021+1G>A

Gene: NAGLU (N-acetyl-alpha-glucosaminidase; plus strand). Cytogenetic location: 17q21.2.
Variant type: single nucleotide variant.
Coding change: c.1021+1G>A on transcript NM_000263.4 (MANE Select); the canonical splice donor site of the intron after coding-DNA position 1021, G replaced by A.
Molecular consequence: splice donor variant.
Genome position (GRCh38, 1-based): chr17:42,541,207, G>A. VCF-style: chr17-42541207-G-A. GRCh37 (hg19) VCF-style: chr17-40693225-G-A.
Other names: c.1021+1G>A (NM_000263.3).
Identifiers: ClinVar variation 3907232 (VCV003907232.2).